The following is an entry in ClinVar:

NM_078480.3(PUF60):c.405dup (p.Ile136fs)

Gene: PUF60 (poly(U) binding splicing factor 60; minus strand). Cytogenetic location: 8q24.3.
Variant type: Duplication.
Coding change: c.405dup on transcript NM_078480.3 (MANE Select); coding-DNA position 405, one base duplicated (T; older notation c.405dupT).
Protein change: p.Ile136fs; shifts the reading frame from isoleucine 136.
Molecular consequence: frameshift variant.
Genome position (GRCh38, 1-based): chr8:143,818,478, A duplicated on the plus strand (T on the coding strand, the reverse complement: PUF60 is on the minus strand). VCF-style (leftmost placement, unchanged base first): chr8-143818477-T-TA. GRCh37 (hg19) VCF-style: chr8-144900647-T-TA.
Other names: c.276dup, p.Ile93fs (NM_001136033.3); c.351dup, p.Ile118fs (NM_001271096.2); c.267dup, p.Ile90fs (NM_001271097.2); c.402dup, p.Ile135fs (NM_001271098.2); c.318dup, p.Ile107fs (NM_001271099.2); c.225dup, p.Ile76fs (NM_001271100.2); c.516dup, p.Ile173fs (NM_001362895.2, NM_001362896.2); c.465dup, p.Ile156fs (NM_001362897.2); and 2 more; short protein forms I107fs, I118fs, I119fs, I135fs, I136fs, I156fs, I173fs, I76fs.
Identifiers: ClinVar variation 4852003 (VCV004852003.2).

ClinVar aggregate classification (germline): Pathogenic. Review status: criteria provided, multiple submitters, no conflicts (2 of 4 stars). 2 submissions from 2 submitters: Pathogenic (2). Last evaluated 2025-12-03.

Conditions:
PUF60-related disorder. Also called: PUF60-related condition.

Submissions (2):

Dasa
Classification: Pathogenic. Last evaluated: 2025-12-03. Review status: criteria provided, single submitter. Criteria: DASA Assertion Criteria. Collection method: clinical testing. Allele origin: germline.
Comment: NM_078480.3(PUF60):c.405dup (p.Ile136Tyrfs*4) introduces a premature termination codon predicted to result in loss of normal protein function. Loss-of-function is an established mechanism of disease for this gene. De novo occurrence has been reported in an individual with related phenotype. This variant has been reported in individuals with related phenotype (PMID: 37994138). The variant is present at low frequency in population datasets. Based on the available data, this variant is classified as pathogenic.

PreventionGenetics, part of Exact Sciences
Classification: Pathogenic for PUF60-related condition. Last evaluated: 2025-06-06. Review status: criteria provided, single submitter. Criteria: ACMG Guidelines, 2015. Collection method: clinical testing. Allele origin: germline.
Comment: The PUF60 c.405dupT variant is predicted to result in a frameshift and premature protein termination (p.Ile136Tyrfs*4). This variant has been reported as de novo in an individual with Verheij syndrome (Wang et al. 2023. PubMed ID: 37994138). This variant has not been reported in a large population database (gnomAD), indicating this variant is rare. Frameshift variants in PUF60 are expected to be pathogenic. This variant is interpreted as pathogenic.

Literature cited by the submitters: PubMed 37994138 (cited by Dasa).